The following is an entry in ClinVar:

ClinVar aggregate classification (germline): Uncertain significance (1 of 4 stars; one submission).

Submission:

Labcorp Genetics (formerly Invitae), Labcorp
Classification: Uncertain significance. Last evaluated: 2025-02-03. Review status: criteria provided, single submitter. Criteria: Invitae Variant Classification Sherloc (09022015). Collection method: clinical testing. Allele origin: germline.
Comment: This variant, c.6869_6871del, results in the deletion of 1 amino acid(s) of the COL7A1 protein (p.Gly2290del), but otherwise preserves the integrity of the reading frame. This variant is not present in population databases (gnomAD no frequency). This variant has not been reported in the literature in individuals affected with COL7A1-related conditions. This variant disrupts the triple helix domain of COL7A1. Glycine residues within the Gly-Xaa-Yaa repeats of the triple helix domain are required for the structure and stability of fibrillar collagens (PMID: 7695699, 8218237, 19344236), and variants at these glycine residues in COL7A1 are more frequently observed in individuals with disease than in the general population (PMID: 22058051). However, the clinical significance of this observation remains uncertain since only a limited number of affected individuals have been described to date. In summary, the available evidence is currently insufficient to determine the role of this variant in disease. Therefore, it has been classified as a Variant of Uncertain Significance.

Literature cited by the submitters: PubMed 7695699; PubMed 8218237; PubMed 19344236; PubMed 22058051.

NM_000094.4(COL7A1):c.6869_6871del (p.Gly2290del)

Gene: COL7A1 (collagen type VII alpha 1 chain; minus strand). Cytogenetic location: 3p21.31.
Variant type: Deletion.
Coding change: c.6869_6871del on transcript NM_000094.4 (MANE Select); coding-DNA positions 6869 to 6871, 3 bases deleted (GAG; older notation c.6869_6871delGAG).
Protein change: p.Gly2290del; deletes glycine 2290.
Molecular consequence: inframe deletion.
Genome position (GRCh38, 1-based): chr3:48,572,700-48,572,702, CTC deleted on the plus strand (GAG on the coding strand, the reverse complement: COL7A1 is on the minus strand); deleting any 3 consecutive bases within chr3:48,572,700-48,572,704 gives the same sequence; the c. name uses the placement nearest the transcript's 3' end. VCF-style (leftmost placement, unchanged base first): chr3-48572699-TCTC-T. GRCh37 (hg19) VCF-style: chr3-48610132-TCTC-T.
Other names: short protein forms G2290del.
Identifiers: ClinVar variation 4712187 (VCV004712187.1).